The following is an entry in ClinVar:

ClinVar aggregate classification (germline): Likely benign. Review status: criteria provided, multiple submitters, no conflicts (2 of 4 stars). 6 submissions from 6 submitters: Likely benign (6). Last evaluated 2026-06-05.

Conditions:
SZT2-related disorder. Also called: SZT2-related condition.
Inborn genetic diseases. Identifiers: MedGen C0950123, MeSH D030342.
Developmental and epileptic encephalopathy, 18 (DEE18). Also called: Early infantile epileptic encephalopathy 18. Identifiers: Orphanet 369894, MedGen C3809624, MONDO:0014201, OMIM 615476.

Allele frequency attached by ClinVar (database versions not stated): gnomAD exomes 0.00002 and 0.00004; ExAC 0.00003; 1000 Genomes Project 30x 0.00016; gnomAD 0.00016; TOPMed 0.00017; 1000 Genomes Project 0.00020; ESP Exome Variant Server 0.00023.
gnomAD v4.1: 59 of 1,614,110 alleles (0.0037%); highest among the groups gnomAD compares: African/African-American, 0.065%; no homozygotes.

Submissions (6):

PreventionGenetics, part of Exact Sciences
Classification: Likely benign for SZT2-related condition. Last evaluated: 2026-06-05. Review status: criteria provided, single submitter. Criteria: ACMG Guidelines, 2015. Collection method: clinical testing. Allele origin: germline.
Comment: This variant is classified as likely benign based on ACMG/AMP sequence variant interpretation guidelines (Richards et al. 2015 PMID: 25741868, with internal and published modifications).

Labcorp Genetics (formerly Invitae), Labcorp
Classification: Likely benign. Last evaluated: 2026-01-27. Review status: criteria provided, single submitter. Criteria: Invitae Variant Classification Sherloc (09022015). Collection method: clinical testing. Allele origin: germline.

Genome-Nilou Lab
Classification: Likely benign for Developmental and epileptic encephalopathy, 18. Last evaluated: 2023-04-11. Review status: criteria provided, single submitter. Criteria: ACMG Guidelines, 2015. Collection method: clinical testing. Allele origin: germline. Affected: no.

Blueprint Genetics
Classification: Likely benign. Last evaluated: 2021-04-29. Review status: criteria provided, single submitter. Criteria: ACMG Guidelines, 2015. Collection method: clinical testing. Allele origin: germline.

GeneDx
Classification: Likely benign. Last evaluated: 2020-10-30. Review status: criteria provided, single submitter. Criteria: GeneDx Variant Classification Process June 2021. Collection method: clinical testing. Allele origin: germline. Affected: yes.

Ambry Genetics
Classification: Likely benign for Inborn genetic diseases. Last evaluated: 2016-05-17. Review status: criteria provided, single submitter. Criteria: Ambry Variant Classification Scheme 2023. Collection method: clinical testing. Allele origin: germline.

NM_001365999.1(SZT2):c.2788C>T (p.Leu930=)

Gene: SZT2 (SZT2 subunit of KICSTOR complex; plus strand). Cytogenetic location: 1p34.2.
Variant type: single nucleotide variant.
Coding change: c.2788C>T on transcript NM_001365999.1 (MANE Select); coding-DNA position 2788, C replaced by T.
Protein change: p.Leu930=; no amino-acid change (leucine 930 retained).
Molecular consequence: synonymous variant.
Genome position (GRCh38, 1-based): chr1:43,425,616, C>T. VCF-style: chr1-43425616-C-T. GRCh37 (hg19) VCF-style: chr1-43891287-C-T.
Other names: c.2788C>T, p.Leu930= (NM_015284.4).
Identifiers: ClinVar variation 587920 (VCV000587920.22), dbSNP rs148208657, ClinGen allele CA808797.